The following is an entry in ClinVar:

ClinVar aggregate classification (germline): Uncertain significance (1 of 4 stars; one submission).

Submission:

Labcorp Genetics (formerly Invitae), Labcorp
Classification: Uncertain significance. Last evaluated: 2024-09-30. Review status: criteria provided, single submitter. Criteria: Invitae Variant Classification Sherloc (09022015). Collection method: clinical testing. Allele origin: germline.
Comment: This sequence change replaces cysteine, which is neutral and slightly polar, with serine, which is neutral and polar, at codon 428 of the CAMK2D protein (p.Cys428Ser). This variant is not present in population databases (gnomAD no frequency). This variant has not been reported in the literature in individuals affected with CAMK2D-related conditions. An algorithm developed to predict the effect of missense changes on protein structure and function (PolyPhen-2) suggests that this variant is likely to be disruptive. In summary, the available evidence is currently insufficient to determine the role of this variant in disease. Therefore, it has been classified as a Variant of Uncertain Significance.

NM_001321571.2(CAMK2D):c.1385G>C (p.Cys462Ser)

Gene: CAMK2D (calcium/calmodulin dependent protein kinase II delta; minus strand). Cytogenetic location: 4q26.
Variant type: single nucleotide variant.
Coding change: c.1385G>C on transcript NM_001321571.2 (MANE Select); coding-DNA position 1385, G replaced by C.
Protein change: p.Cys462Ser; replaces cysteine 462 with serine.
Molecular consequence: missense variant.
Genome position (GRCh38, 1-based): chr4:113,457,485, C>G on the plus strand (G>C on the coding strand, the complement: CAMK2D is on the minus strand). VCF-style: chr4-113457485-C-G. GRCh37 (hg19) VCF-style: chr4-114378641-C-G.
Other names: c.1325G>C, p.Cys442Ser (NM_001321575.2, NM_001321583.2, NM_001321566.2 and 4 more transcripts); c.1280G>C, p.Cys427Ser (NM_001321576.2, NM_001396967.1, NM_001321574.2); c.1322G>C, p.Cys441Ser (NM_001321577.2, NM_001321584.2, NM_001321588.2); c.737G>C, p.Cys246Ser (NM_001321578.2, NM_001321585.2); c.1385G>C, p.Cys462Ser (NM_001321579.2, NM_001321567.2, NM_001321569.2 and 2 more transcripts); c.1343G>C, p.Cys448Ser (NM_001321580.2); c.1208G>C, p.Cys403Ser (NM_001321581.2); c.1316G>C, p.Cys439Ser (NM_001321582.2, NM_001396965.1, NM_172129.2); and 9 more; short protein forms C403S, C428S, C453S, C462S, C438S, C442S, C232S, C298S.
Identifiers: ClinVar variation 3721770 (VCV003721770.2).